The following is an entry in ClinVar:

NM_001080449.3(DNA2):c.1675T>G (p.Leu559Val)

Gene: DNA2 (DNA replication helicase/nuclease 2; minus strand). Cytogenetic location: 10q21.3.
Variant type: single nucleotide variant.
Coding change: c.1675T>G on transcript NM_001080449.3 (MANE Select); coding-DNA position 1675, T replaced by G.
Protein change: p.Leu559Val; replaces leucine 559 with valine.
Molecular consequence: missense variant. On other transcripts: non-coding transcript variant (1).
Genome position (GRCh38, 1-based): chr10:68,432,482, A>C on the plus strand (T>G on the coding strand, the complement: DNA2 is on the minus strand). VCF-style: chr10-68432482-A-C. GRCh37 (hg19) VCF-style: chr10-70192239-A-C.
Other names: short protein forms L559V.
Identifiers: ClinVar variation 2141369 (VCV002141369.21), dbSNP rs368159172, ClinGen allele CA5525008.

ClinVar aggregate classification (germline): Uncertain significance. Review status: criteria provided, multiple submitters, no conflicts (2 of 4 stars). 2 submissions from 2 submitters: Uncertain significance (2). Last evaluated 2025-12-06.

Allele frequency attached by ClinVar (database versions not stated): gnomAD 0.00001; gnomAD exomes 0.00001; TOPMed 0.00001; ExAC 0.00002; ESP Exome Variant Server 0.00008.
gnomAD v4.1: 19 of 1,570,902 alleles (0.0012%); highest among the groups gnomAD compares: Non-Finnish European, 0.0016%; no homozygotes.

Submissions (2):

Labcorp Genetics (formerly Invitae), Labcorp
Classification: Uncertain significance. Last evaluated: 2025-12-06. Review status: criteria provided, single submitter. Criteria: Invitae Variant Classification Sherloc (09022015). Collection method: clinical testing. Allele origin: germline.
Comment: This sequence change replaces leucine, which is neutral and non-polar, with valine, which is neutral and non-polar, at codon 559 of the DNA2 protein (p.Leu559Val). This variant is present in population databases (rs368159172, gnomAD 0.005%). This variant has not been reported in the literature in individuals affected with DNA2-related conditions. ClinVar contains an entry for this variant (Variation ID: 2141369). Invitae Evidence Modeling of protein sequence and biophysical properties (such as structural, functional, and spatial information, amino acid conservation, physicochemical variation, residue mobility, and thermodynamic stability) indicates that this missense variant is not expected to disrupt DNA2 protein function with a negative predictive value of 80%. In summary, the available evidence is currently insufficient to determine the role of this variant in disease. Therefore, it has been classified as a Variant of Uncertain Significance.

CeGaT Center for Human Genetics Tuebingen
Classification: Uncertain significance. Last evaluated: 2024-07-01. Review status: criteria provided, single submitter. Criteria: CeGaT Center For Human Genetics Tuebingen Variant Classification Criteria Version 2. Collection method: clinical testing. Allele origin: germline. Affected: yes. Observed: 1 variant allele.